The following is an entry in ClinVar:

ClinVar aggregate classification (germline): Uncertain significance. Review status: criteria provided, multiple submitters, no conflicts (2 of 4 stars). 2 submissions from 2 submitters: Uncertain significance (2). Last evaluated 2022-06-08.

Conditions:
Alstrom syndrome (ALMS). Identifiers: Orphanet 64, MedGen C0268425, MONDO:0008763, OMIM 203800.

Allele frequency attached by ClinVar (database versions not stated): TOPMed 0.00001.
gnomAD v4.1: 4 of 1,613,690 alleles (0.00025%); highest among the groups gnomAD compares: Admixed American, 0.0067%; no homozygotes.

Submissions (2):

Labcorp Genetics (formerly Invitae), Labcorp
Classification: Uncertain significance for Alstrom syndrome. Last evaluated: 2022-06-08. Review status: criteria provided, single submitter. Criteria: Invitae Variant Classification Sherloc (09022015). Collection method: clinical testing. Allele origin: germline.
Comment: This sequence change replaces proline, which is neutral and non-polar, with histidine, which is basic and polar, at codon 2987 of the ALMS1 protein (p.Pro2987His). This variant is present in population databases (no rsID available, gnomAD 0.006%). This variant has not been reported in the literature in individuals affected with ALMS1-related conditions. Experimental studies and prediction algorithms are not available or were not evaluated, and the functional significance of this variant is currently unknown. In summary, the available evidence is currently insufficient to determine the role of this variant in disease. Therefore, it has been classified as a Variant of Uncertain Significance.

Fulgent Genetics
Classification: Uncertain significance for Alstrom syndrome. Last evaluated: 2021-11-16. Review status: criteria provided, single submitter. Criteria: ACMG Guidelines, 2015. Collection method: clinical testing. Allele origin: unknown.

NM_001378454.1(ALMS1):c.8957C>A (p.Pro2986His)

Gene: ALMS1 (ALMS1 centrosome and basal body associated protein; plus strand). Cytogenetic location: 2p13.1.
Variant type: single nucleotide variant.
Coding change: c.8957C>A on transcript NM_001378454.1 (MANE Select); coding-DNA position 8957, C replaced by A.
Protein change: p.Pro2986His; replaces proline 2986 with histidine.
Molecular consequence: missense variant.
Genome position (GRCh38, 1-based): chr2:73,490,916, C>A. VCF-style: chr2-73490916-C-A. GRCh37 (hg19) VCF-style: chr2-73718043-C-A.
Other names: c.8960C>A, p.Pro2987His (NM_015120.4); short protein forms P2987H, P2986H.
Identifiers: ClinVar variation 1443755 (VCV001443755.4), dbSNP rs1022866808, ClinGen allele CA50379755.